The following is an entry in ClinVar:

NM_198859.4(PRICKLE2):c.2088C>A (p.Asp696Glu)

Genes: PRICKLE2-AS1 (PRICKLE2 antisense RNA 1; plus strand), PRICKLE2 (prickle planar cell polarity protein 2; minus strand). Cytogenetic location: 3p14.1.
Variant type: single nucleotide variant.
Coding change: c.2088C>A on transcript NM_198859.4 (MANE Select); coding-DNA position 2088, C replaced by A.
Protein change: p.Asp696Glu; replaces aspartic acid 696 with glutamic acid.
Molecular consequence: missense variant. On other transcripts: non-coding transcript variant (1).
Genome position (GRCh38, 1-based): chr3:64,099,498, G>T on the plus strand (C>A on the coding strand, the complement: PRICKLE2 is on the minus strand). VCF-style: chr3-64099498-G-T. GRCh37 (hg19) VCF-style: chr3-64085174-G-T.
Other names: c.2088C>A, p.Asp696Glu (NM_001370528.1); short protein forms D696E.
Identifiers: ClinVar variation 1522312 (VCV001522312.8), dbSNP rs2076619479, ClinGen allele CA353426817.
Genomic context (GRCh38, chr3:64,099,498, plus strand): 5'-AGGGGGCCTATCTTTTAACCGGGAGATGGCCTCGCGTTCGCTGGCCAGGTGGAGGGCGTT[G>T]TCGGAGCGAGAGCGTCGGGAACGCCTGGACCTGTGAGGTCGGAAACGGCGGTTGTCGTCG-3'
Protein context (NP_942559.1, residues 686-706): RSRRSRRSRS[Asp696Glu]NALHLASERE

ClinVar aggregate classification (germline): Uncertain significance (1 of 4 stars; one submission).

Conditions:
Progressive myoclonic epilepsy type 5. Identifiers: Orphanet 402082, MedGen C5190799.

Allele frequency attached by ClinVar (database versions not stated): gnomAD 0.00001; TOPMed 0.00001.
gnomAD v4.1: 1 of 1,595,524 alleles (0.000063%); highest among the groups gnomAD compares: Admixed American, 0.0017%; no homozygotes.

Submission:

Labcorp Genetics (formerly Invitae), Labcorp
Classification: Uncertain significance for Progressive myoclonic epilepsy type 5. Last evaluated: 2021-04-02. Review status: criteria provided, single submitter. Criteria: Invitae Variant Classification Sherloc (09022015). Collection method: clinical testing. Allele origin: germline.
Comment: In summary, the available evidence is currently insufficient to determine the role of this variant in disease. Therefore, it has been classified as a Variant of Uncertain Significance. Algorithms developed to predict the effect of missense changes on protein structure and function are either unavailable or do not agree on the potential impact of this missense change (SIFT: "Deleterious"; PolyPhen-2: "Benign"; Align-GVGD: "Class C35"). This variant has not been reported in the literature in individuals with PRICKLE2-related conditions. This variant is not present in population databases (ExAC no frequency). This sequence change replaces aspartic acid with glutamic acid at codon 696 of the PRICKLE2 protein (p.Asp696Glu). The aspartic acid residue is highly conserved and there is a small physicochemical difference between aspartic acid and glutamic acid.